The following is an entry in ClinVar:

ClinVar aggregate classification (germline): Conflicting classifications of pathogenicity. Review status: criteria provided, conflicting classifications (1 of 4 stars). 7 submissions from 7 submitters: Pathogenic (1); Likely pathogenic (1); Uncertain significance (3). 2 of the submissions do not count toward it. Last evaluated 2025-09-24.

Conditions:
Retinal dystrophy. Also called: Inherited retinal dystrophy. Identifiers: Orphanet 71862, MedGen C0854723, MeSH D058499, MONDO:0019118, HP:0000556.
Retinitis pigmentosa 25 (RP25). Identifiers: Orphanet 791, MedGen C1864446, MONDO:0011272, OMIM 602772.

Allele frequency attached by ClinVar (database versions not stated): gnomAD exomes 0.00001 and 0.00006; gnomAD 0.00003 and 0.00004; TOPMed 0.00004; ExAC 0.00005.
gnomAD v4.1: 17 of 1,550,336 alleles (0.0011%); highest among the groups gnomAD compares: East Asian, 0.027%; no homozygotes.

Submissions (7):

Labcorp Genetics (formerly Invitae), Labcorp
Classification: Likely pathogenic. Last evaluated: 2025-09-24. Review status: criteria provided, single submitter. Criteria: Invitae Variant Classification Sherloc (09022015). Collection method: clinical testing. Allele origin: germline.
Comment: This sequence change replaces serine, which is neutral and polar, with phenylalanine, which is neutral and non-polar, at codon 2650 of the EYS protein (p.Ser2650Phe). This variant is present in population databases (rs374714909, gnomAD 0.08%). This missense change has been observed in individuals with retinal dystrophy (PMID: 24938718, 25356976, 31054281). ClinVar contains an entry for this variant (Variation ID: 636169). Invitae Evidence Modeling of protein sequence and biophysical properties (such as structural, functional, and spatial information, amino acid conservation, physicochemical variation, residue mobility, and thermodynamic stability) indicates that this missense variant is expected to disrupt EYS protein function with a positive predictive value of 80%. In summary, the currently available evidence indicates that the variant is pathogenic, but additional data are needed to prove that conclusively. Therefore, this variant has been classified as Likely Pathogenic.

Blueprint Genetics
Classification: Uncertain significance. Last evaluated: 2023-10-18. Review status: criteria provided, single submitter. Criteria: ACMG Guidelines, 2015. Collection method: clinical testing. Allele origin: germline.

Dept Of Ophthalmology, Nagoya University
Classification: Pathogenic for Retinal dystrophy. Last evaluated: 2023-10-01. Review status: criteria provided, single submitter. Criteria: Submitter's publication. Collection method: research. Allele origin: germline. Affected: yes.

Fulgent Genetics
Classification: Uncertain significance for Retinitis pigmentosa 25. Last evaluated: 2022-04-18. Review status: criteria provided, single submitter. Criteria: ACMG Guidelines, 2015. Collection method: clinical testing. Allele origin: unknown.

Juno Genomics, Hangzhou Juno Genomics, Inc
Classification: Uncertain significance for Retinitis pigmentosa 25. Review status: criteria provided, single submitter. Criteria: ACMG Guidelines, 2015. Collection method: clinical testing. Allele origin: germline. Affected: yes.
Comment: Absent from controls (or at extremely low frequency if recessive) in Genome Aggregation Database, Exome Sequencing Project, 1000 Genomes Project, or Exome Aggregation Consortium.;For recessive disorders, detected in trans with a pathogenic variant.;Patient's phenotype or family history is highly specific for a disease with a single genetic etiology.

Natera, Inc.
Classification: Uncertain significance for Retinitis pigmentosa type 25. Last evaluated: 2020-12-27. Review status: no assertion criteria provided. Collection method: clinical testing. Allele origin: germline. Not counted in ClinVar's aggregate classification.

Department of Clinical Genetics, Copenhagen University Hospital, Rigshospitalet
Classification: Likely pathogenic for Retinal dystrophy. Last evaluated: 2018-04-01. Review status: no assertion criteria provided. Collection method: research. Allele origin: unknown. Affected: yes. Study: VeluxRD. Not counted in ClinVar's aggregate classification.

Literature cited by the submitters: PubMed 24938718 (cited by Labcorp Genetics (formerly Invitae), Labcorp); PubMed 25356976 (cited by Labcorp Genetics (formerly Invitae), Labcorp); PubMed 31054281 (cited by Labcorp Genetics (formerly Invitae), Labcorp); PubMed 30718709 (cited by Department of Clinical Genetics, Copenhagen University Hospital, Rigshospitalet).

NM_001142800.2(EYS):c.7949C>T (p.Ser2650Phe)

Gene: EYS (EGF-like photoreceptor maintenance factor; minus strand). Cytogenetic location: 6q12.
Variant type: single nucleotide variant.
Coding change: c.7949C>T on transcript NM_001142800.2 (MANE Select); coding-DNA position 7949, C replaced by T.
Protein change: p.Ser2650Phe; replaces serine 2650 with phenylalanine.
Molecular consequence: missense variant.
Genome position (GRCh38, 1-based): chr6:63,762,583, G>A on the plus strand (C>T on the coding strand, the complement: EYS is on the minus strand). VCF-style: chr6-63762583-G-A. GRCh37 (hg19) VCF-style: chr6-64472476-G-A.
Other names: c.7949C>T, p.Ser2650Phe (NM_001292009.2); short protein forms S2650F.
Identifiers: ClinVar variation 636169 (VCV000636169.12), dbSNP rs374714909, ClinGen allele CA3876753.